The following is an entry in ClinVar:

NM_001081550.2(THOC2):c.3117C>T (p.Tyr1039=)

Gene: THOC2 (THO complex subunit 2; minus strand). Cytogenetic location: Xq25.
Variant type: single nucleotide variant.
Coding change: c.3117C>T on transcript NM_001081550.2 (MANE Select); coding-DNA position 3117, C replaced by T.
Protein change: p.Tyr1039=; no amino-acid change (tyrosine 1039 retained).
Molecular consequence: synonymous variant.
Genome position (GRCh38, 1-based): chrX:123,624,610, G>A on the plus strand (C>T on the coding strand, the complement: THOC2 is on the minus strand). VCF-style: chrX-123624610-G-A. GRCh37 (hg19) VCF-style: chrX-122758461-G-A.
Identifiers: ClinVar variation 764761 (VCV000764761.5), dbSNP rs190465904, ClinGen allele CA10507498.

ClinVar aggregate classification (germline): Benign. Review status: criteria provided, single submitter (1 of 4 stars). 2 submissions from 2 submitters: Benign (1). 1 of the submissions does not count toward it. Last evaluated 2018-08-28.

Conditions:
THOC2-related disorder. Also called: THOC2-related condition.

Allele frequency attached by ClinVar (database versions not stated): gnomAD 0.00002; gnomAD exomes 0.00008 and 0.00009; TOPMed 0.00008; ExAC 0.00010; ESP Exome Variant Server 0.00010; 1000 Genomes Project 0.00026; 1000 Genomes Project 30x 0.00042.
gnomAD v4.1: 99 of 1,207,374 alleles (0.0082%); highest among the groups gnomAD compares: Middle Eastern, 0.046%; no homozygotes.

Submissions (2):

Labcorp Genetics (formerly Invitae), Labcorp
Classification: Benign. Last evaluated: 2018-08-28. Review status: criteria provided, single submitter. Criteria: Invitae Variant Classification Sherloc (09022015). Collection method: clinical testing. Allele origin: germline.

PreventionGenetics, part of Exact Sciences
Classification: Likely benign for THOC2-related condition. Last evaluated: 2019-03-15. Review status: no assertion criteria provided. Collection method: clinical testing. Allele origin: germline. Not counted in ClinVar's aggregate classification.
Comment: This variant is classified as likely benign based on ACMG/AMP sequence variant interpretation guidelines (Richards et al. 2015 PMID: 25741868, with internal and published modifications).